The following is an entry in ClinVar:

ClinVar aggregate classification (germline): Uncertain significance (1 of 4 stars; one submission).

Submission:

GeneDx
Classification: Uncertain significance. Last evaluated: 2023-04-11. Review status: criteria provided, single submitter. Criteria: GeneDx Variant Classification Process June 2021. Collection method: clinical testing. Allele origin: germline. Affected: yes.
Comment: Frameshift variant predicted to result in protein truncation or nonsense mediated decay in a gene or region of a gene for which loss of function is not a well-established mechanism of disease; Not observed at significant frequency in large population cohorts (gnomAD); Has not been previously published as pathogenic or benign to our knowledge

NM_005458.8(GABBR2):c.1688del (p.Gly563fs)

Gene: GABBR2 (gamma-aminobutyric acid type B receptor subunit 2; minus strand). Cytogenetic location: 9q22.33.
Variant type: Deletion.
Coding change: c.1688del on transcript NM_005458.8 (MANE Select); coding-DNA position 1688, one base deleted (G; older notation c.1688delG).
Protein change: p.Gly563fs; shifts the reading frame from glycine 563.
Molecular consequence: frameshift variant.
Genome position (GRCh38, 1-based): chr9:98,371,546, C deleted on the plus strand (G on the coding strand, the reverse complement: GABBR2 is on the minus strand); the first of 3 consecutive C bases (chr9:98,371,546-98,371,548); deleting any one gives the same sequence. VCF-style (leftmost placement, unchanged base first): chr9-98371545-GC-G. GRCh37 (hg19) VCF-style: chr9-101133827-GC-G.
Other names: short protein forms G563fs.
Identifiers: ClinVar variation 3343052 (VCV003343052.1).